The following is an entry in ClinVar:

NM_014159.7(SETD2):c.6005C>T (p.Thr2002Ile)

Gene: SETD2 (SET domain containing 2, histone lysine methyltransferase; minus strand). Cytogenetic location: 3p21.31.
Variant type: single nucleotide variant.
Coding change: c.6005C>T on transcript NM_014159.7 (MANE Select); coding-DNA position 6005, C replaced by T.
Protein change: p.Thr2002Ile; replaces threonine 2002 with isoleucine.
Molecular consequence: missense variant. On other transcripts: non-coding transcript variant (1).
Genome position (GRCh38, 1-based): chr3:47,083,775, G>A on the plus strand (C>T on the coding strand, the complement: SETD2 is on the minus strand). VCF-style: chr3-47083775-G-A. GRCh37 (hg19) VCF-style: chr3-47125265-G-A.
Other names: c.5873C>T, p.Thr1958Ile (NM_001349370.3); c.6005C>T (NM_014159.6); short protein forms T1958I, T2002I.
Identifiers: ClinVar variation 1023764 (VCV001023764.6), dbSNP rs373627213, ClinGen allele CA2362824.

ClinVar aggregate classification (germline): Uncertain significance. Review status: criteria provided, multiple submitters, no conflicts (2 of 4 stars). 2 submissions from 2 submitters: Uncertain significance (2). Last evaluated 2025-08-08.

Conditions:
Luscan-Lumish syndrome. Identifiers: Orphanet 597738, MedGen C4085873, MONDO:0014791, OMIM 616831.
Inborn genetic diseases. Identifiers: MedGen C0950123, MeSH D030342.

Allele frequency attached by ClinVar (database versions not stated): gnomAD exomes below 0.00001 and 0.00001; ExAC 0.00001; gnomAD 0.00001; TOPMed 0.00002; ESP Exome Variant Server 0.00008.
gnomAD v4.1: 2 of 1,614,000 alleles (0.00012%); highest among the groups gnomAD compares: African/African-American, 0.0027%; no homozygotes.

Submissions (2):

Ambry Genetics
Classification: Uncertain significance for Inborn genetic diseases. Last evaluated: 2025-08-08. Review status: criteria provided, single submitter. Criteria: Ambry Variant Classification Scheme 2023. Collection method: clinical testing. Allele origin: germline.

Labcorp Genetics (formerly Invitae), Labcorp
Classification: Uncertain significance for Luscan-Lumish syndrome. Last evaluated: 2020-02-02. Review status: criteria provided, single submitter. Criteria: Invitae Variant Classification Sherloc (09022015). Collection method: clinical testing. Allele origin: germline.
Comment: This sequence change replaces threonine with isoleucine at codon 2002 of the SETD2 protein (p.Thr2002Ile). The threonine residue is moderately conserved and there is a moderate physicochemical difference between threonine and isoleucine. This variant is present in population databases (rs373627213, ExAC 0.01%). In summary, the available evidence is currently insufficient to determine the role of this variant in disease. Therefore, it has been classified as a Variant of Uncertain Significance. Algorithms developed to predict the effect of missense changes on protein structure and function (SIFT, PolyPhen-2, Align-GVGD) all suggest that this variant is likely to be tolerated, but these predictions have not been confirmed by published functional studies and their clinical significance is uncertain. This variant has not been reported in the literature in individuals with SETD2-related conditions.